The following is an entry in ClinVar:

ClinVar aggregate classification (germline): Benign (0 of 4 stars; one submission).

Conditions:
FSIP2-related disorder. Also called: FSIP2-related condition.

Allele frequency attached by ClinVar (database versions not stated): gnomAD exomes 0.06717; TOPMed 0.07391; gnomAD 0.07727; 1000 Genomes Project 30x 0.15849; 1000 Genomes Project 0.16953; ExAC 0.18024.
gnomAD v4.1: 105,712 of 1,532,868 alleles (6.9%); highest among the groups gnomAD compares: East Asian, 43%; 8,833 homozygotes.

Submission:

PreventionGenetics, part of Exact Sciences
Classification: Benign for FSIP2-related condition. Last evaluated: 2019-02-22. Review status: no assertion criteria provided. Collection method: clinical testing. Allele origin: germline.
Comment: This variant is classified as benign based on ACMG/AMP sequence variant interpretation guidelines (Richards et al. 2015 PMID: 25741868, with internal and published modifications).

NM_173651.4(FSIP2):c.3004G>C (p.Asp1002His)

Genes: FSIP2 (fibrous sheath interacting protein 2; plus strand), FSIP2-AS1 (FSIP2 antisense RNA 1; minus strand). Cytogenetic location: 2q32.1.
Variant type: single nucleotide variant.
Coding change: c.3004G>C on transcript NM_173651.4 (MANE Select); coding-DNA position 3004, G replaced by C.
Protein change: p.Asp1002His; replaces aspartic acid 1002 with histidine.
Molecular consequence: missense variant.
Genome position (GRCh38, 1-based): chr2:185,790,140, G>C. VCF-style: chr2-185790140-G-C. GRCh37 (hg19) VCF-style: chr2-186654867-G-C.
Other names: short protein forms D1002H.
Identifiers: ClinVar variation 3059151 (VCV003059151.2), dbSNP rs79762465, ClinGen allele CA2016597.